The following is an entry in ClinVar:

NM_000094.4(COL7A1):c.1744del (p.Arg582fs)

Gene: COL7A1 (collagen type VII alpha 1 chain; minus strand). Cytogenetic location: 3p21.31.
Variant type: Deletion.
Coding change: c.1744del on transcript NM_000094.4 (MANE Select); coding-DNA position 1744, one base deleted (C; older notation c.1744delC).
Protein change: p.Arg582fs; shifts the reading frame from arginine 582.
Molecular consequence: frameshift variant.
Genome position (GRCh38, 1-based): chr3:48,590,709, G deleted on the plus strand (C on the coding strand, the reverse complement: COL7A1 is on the minus strand); the first of 4 consecutive G bases (chr3:48,590,709-48,590,712); deleting any one gives the same sequence. VCF-style (leftmost placement, unchanged base first): chr3-48590708-CG-C. GRCh37 (hg19) VCF-style: chr3-48628141-CG-C.
Other names: short protein forms R582fs.
Identifiers: ClinVar variation 2169969 (VCV002169969.5), dbSNP rs1559432828, ClinGen allele CA433618459.

ClinVar aggregate classification (germline): Pathogenic. Review status: criteria provided, multiple submitters, no conflicts (2 of 4 stars). 2 submissions from 2 submitters: Pathogenic (2). Last evaluated 2024-07-20.

Conditions:
Recessive dystrophic epidermolysis bullosa (RDEB). Also called: Recessive DEB (RDEB); DYSTROPHIC EPIDERMOLYSIS BULLOSA, AUTOSOMAL RECESSIVE; EPIDERMOLYSIS BULLOSA DYSTROPHICA, HALLOPEAU-SIEMENS TYPE; Epidermolysis Bullosa Distrophica Autosomal Recessive (RDEB); epidermolysis bullosa dystrophica, autosomal recessive; Hallopeau-Siemens Disease. Identifiers: Orphanet 79408, Orphanet 79409, MedGen C0079474, MONDO:0009179, OMIM 226600.

Submissions (2):

Myriad Genetics, Inc.
Classification: Pathogenic for Recessive dystrophic epidermolysis bullosa. Last evaluated: 2024-07-20. Review status: criteria provided, single submitter. Criteria: Myriad Autosomal Dominant, Autosomal Recessive and X-Linked Classification Criteria (2023). Collection method: clinical testing. Allele origin: unknown.
Comment: NM_000094.3(COL7A1):c.1744delC(R582Vfs*33) is expected to be pathogenic in the context of dystrophic epidermolysis bullosa. This variant is predicted to lead to an abnormal or absent protein product due to the creation of a premature termination codon in COL7A1, a gene where loss-of-function variants are known to be pathogenic. Please note: this variant was assessed in the context of healthy population screening.

Labcorp Genetics (formerly Invitae), Labcorp
Classification: Pathogenic. Last evaluated: 2023-07-03. Review status: criteria provided, single submitter. Criteria: Invitae Variant Classification Sherloc (09022015). Collection method: clinical testing. Allele origin: germline.
Comment: This sequence change creates a premature translational stop signal (p.Arg582Valfs*33) in the COL7A1 gene. It is expected to result in an absent or disrupted protein product. Loss-of-function variants in COL7A1 are known to be pathogenic (PMID: 16971478). This variant is present in population databases (no rsID available, gnomAD 0.0009%). This variant has not been reported in the literature in individuals affected with COL7A1-related conditions. ClinVar contains an entry for this variant (Variation ID: 2169969). For these reasons, this variant has been classified as Pathogenic.

Literature cited by the submitters: PubMed 16971478 (cited by Labcorp Genetics (formerly Invitae), Labcorp).